The following is an entry in ClinVar:

NM_001318895.3(FHL2):c.29G>T (p.Cys10Phe)

Gene: FHL2 (four and a half LIM domains 2; minus strand). Cytogenetic location: 2q12.2.
Variant type: single nucleotide variant.
Coding change: c.29G>T on transcript NM_001318895.3 (MANE Select); coding-DNA position 29, G replaced by T.
Protein change: p.Cys10Phe; replaces cysteine 10 with phenylalanine.
Molecular consequence: missense variant. On other transcripts: 5 prime UTR variant (3).
Genome position (GRCh38, 1-based): chr2:105,386,488, C>A on the plus strand (G>T on the coding strand, the complement: FHL2 is on the minus strand). VCF-style: chr2-105386488-C-A. GRCh37 (hg19) VCF-style: chr2-106002945-C-A.
Other names: c.29G>T, p.Cys10Phe (NM_001039492.3, NM_001318894.1, NM_001318896.2 and 4 more transcripts); c.-139G>T (NM_001318897.2, NM_001318898.2); c.-418G>T (NM_001318899.2); short protein forms C10F.
Identifiers: ClinVar variation 4799153 (VCV004799153.1).

ClinVar aggregate classification (germline): Uncertain significance (1 of 4 stars; one submission).

Conditions:
Primary dilated cardiomyopathy (DCM). Also called: Dilated Cardiomyopathy. Identifiers: Orphanet 217604, MedGen C0007193, MeSH D002311, MONDO:0005021, HP:0001644. Inheritance: Various modes of inheritance.

Submission:

Labcorp Genetics (formerly Invitae), Labcorp
Classification: Uncertain significance for Primary dilated cardiomyopathy. Last evaluated: 2025-02-06. Review status: criteria provided, single submitter. Criteria: Invitae Variant Classification Sherloc (09022015). Collection method: clinical testing. Allele origin: germline.
Comment: This sequence change replaces cysteine, which is neutral and slightly polar, with phenylalanine, which is neutral and non-polar, at codon 10 of the FHL2 protein (p.Cys10Phe). This variant is not present in population databases (gnomAD no frequency). This variant has not been reported in the literature in individuals affected with FHL2-related conditions. An algorithm developed to predict the effect of missense changes on protein structure and function (PolyPhen-2) suggests that this variant is likely to be disruptive. In summary, the available evidence is currently insufficient to determine the role of this variant in disease. Therefore, it has been classified as a Variant of Uncertain Significance.